The following is an entry in ClinVar:

ClinVar aggregate classification (germline): Uncertain significance (1 of 4 stars; one submission).

gnomAD v4.1: 51 of 1,614,034 alleles (0.0032%); highest among the groups gnomAD compares: Non-Finnish European, 0.0042%; no homozygotes.

Submission:

GeneDx
Classification: Uncertain significance. Last evaluated: 2026-04-01. Review status: criteria provided, single submitter. Criteria: GeneDx Variant Classification Process June 2021. Collection method: clinical testing. Allele origin: germline.
Comment: Not observed at significant frequency in large population cohorts (gnomAD); In silico analysis supports that this missense variant has a deleterious effect on protein structure/function; Has not been previously published as pathogenic or benign to our knowledge

NM_173551.5(ANKS6):c.1153G>A (p.Asp385Asn)

Gene: ANKS6 (ankyrin repeat and sterile alpha motif domain containing 6; minus strand). Cytogenetic location: 9q22.33.
Variant type: single nucleotide variant.
Coding change: c.1153G>A on transcript NM_173551.5 (MANE Select); coding-DNA position 1153, G replaced by A.
Protein change: p.Asp385Asn; replaces aspartic acid 385 with asparagine.
Molecular consequence: missense variant.
Genome position (GRCh38, 1-based): chr9:98,782,533, C>T on the plus strand (G>A on the coding strand, the complement: ANKS6 is on the minus strand). VCF-style: chr9-98782533-C-T. GRCh37 (hg19) VCF-style: chr9-101544815-C-T.
Other names: short protein forms D385N.
Identifiers: ClinVar variation 5016971 (VCV005016971.1).
Genomic context (GRCh38, chr9:98,782,533, plus strand): 5'-CATTCAGCAGCATCACCAGGTCAAAGGCCGTGTATCCATTTTTTGCACGAAGAGTGACAT[C>T]GGCCCCTTGGTTTAGCAGATATTTCACAATTTCCTTATTCCTGGGAAAAAATGCTAGAGT-3'
Protein context (NP_775822.3, residues 375-395): IVKYLLNQGA[Asp385Asn]VTLRAKNGYT